The following is an entry in ClinVar:

ClinVar aggregate classification (germline): Likely pathogenic (1 of 4 stars; one submission).

Conditions:
Glycogen storage disease type III (GSD3). Also called: FORBES DISEASE; Cori disease. Identifiers: Orphanet 366, MedGen C0017922, MONDO:0009291, OMIM 232400.

Submission:

Myriad Genetics, Inc.
Classification: Likely pathogenic for Glycogen storage disease type III. Last evaluated: 2022-01-25. Review status: criteria provided, single submitter. Criteria: Myriad Women's Health Autosomal Recessive and X-Linked Classification Criteria (2021). Collection method: clinical testing. Allele origin: unknown.
Comment: NM_000642.2(AGL):c.2685_2686delTG(A896Lfs*7) is expected to be pathogenic in the context of glycogen storage disease type III. This variant is predicted to lead to an abnormal or absent protein product due to the creation of a premature termination codon in AGL, a gene where loss-of-function variants are known to be pathogenic. Please note: this variant was assessed in the context of healthy population screening.

NM_000642.3(AGL):c.2685_2686del (p.Ala896fs)

Gene: AGL (amylo-alpha-1,6-glucosidase and 4-alpha-glucanotransferase; plus strand). Cytogenetic location: 1p21.2.
Variant type: Deletion.
Coding change: c.2685_2686del on transcript NM_000642.3 (MANE Select); coding-DNA positions 2685 to 2686, 2 bases deleted (TG; older notation c.2685_2686delTG).
Protein change: p.Ala896fs; shifts the reading frame from alanine 896.
Molecular consequence: frameshift variant.
Genome position (GRCh38, 1-based): chr1:99,887,981-99,887,982, TG deleted. VCF-style (leftmost placement, unchanged base first): chr1-99887980-TTG-T. GRCh37 (hg19) VCF-style: chr1-100353536-TTG-T.
Other names: c.2481_2482delTG, p.Ala828Leufs (NM_001425328.1); c.2346_2347delTG, p.Ala783Leufs (NM_001425329.1); c.2307_2308delTG, p.Ala770Leufs (NM_001425332.1); c.2685_2686delTG, p.Ala896Leufs (NM_001425325.1, NM_001425326.1, NM_000028.3 and 2 more transcripts); c.2484_2485delTG, p.Ala829Leufs (NM_001425327.1); c.2637_2638delTG, p.Ala880Leufs (NM_000646.3); short protein forms A880fs, A896fs.
Identifiers: ClinVar variation 1724113 (VCV001724113.2), dbSNP rs2524698808, ClinGen allele CA2580063450.
Genomic context (GRCh38, chr1:99,887,980, plus strand): 5'-TTCTATTGACAACAAGCGAAACTTCAATATATGGTTATCTTTATTTTCCAATTCTTAGTC[TTG>T]CCTCCAGATTAACTTTGGCTGAGCTAAATCAGATCCTTTACCGATGTGAATCAGAAGAAA-3'